The following is an entry in ClinVar:

NM_000543.5(SMPD1):c.544A>G (p.Thr182Ala)

Gene: SMPD1 (sphingomyelin phosphodiesterase 1; plus strand). Cytogenetic location: 11p15.4.
Variant type: single nucleotide variant.
Coding change: c.544A>G on transcript NM_000543.5 (MANE Select); coding-DNA position 544, A replaced by G.
Protein change: p.Thr182Ala; replaces threonine 182 with alanine.
Molecular consequence: missense variant. On other transcripts: 5 prime UTR variant (1), non-coding transcript variant (1).
Genome position (GRCh38, 1-based): chr11:6,391,609, A>G. VCF-style: chr11-6391609-A-G. GRCh37 (hg19) VCF-style: chr11-6412839-A-G.
Other names: c.541A>G, p.Thr181Ala (NM_001007593.3); c.544A>G, p.Thr182Ala (NM_001318087.2, NM_001365135.2); c.-418A>G (NM_001318088.2); short protein forms T182A, T181A.
Identifiers: ClinVar variation 2122708 (VCV002122708.1), dbSNP rs2493804657, ClinGen allele CA379369898.

ClinVar aggregate classification (germline): Uncertain significance (1 of 4 stars; one submission).

Conditions:
Niemann-Pick disease, type A. Also called: Infantile Neurovisceral ASMD (Niemann-Pick Disease Type A; NPD-A); SPHINGOMYELIN LIPIDOSIS; SPHINGOMYELINASE DEFICIENCY. Identifiers: Orphanet 77292, MedGen C0268242, MONDO:0009756, OMIM 257200. Disease mechanism: loss of function.
Niemann-Pick disease, type B. Also called: Chronic Visceral ASMD (Niemann-Pick Disease Type B; NPD-B). Identifiers: Orphanet 77293, MedGen C0268243, MONDO:0011871, OMIM 607616. Disease mechanism: loss of function.

Allele frequency attached by ClinVar (database versions not stated): gnomAD exomes below 0.00001.
gnomAD v4.1: 1 of 1,590,816 alleles (0.000063%); highest among the groups gnomAD compares: Non-Finnish European, 0.000086%; no homozygotes.

Submission:

Labcorp Genetics (formerly Invitae), Labcorp
Classification: Uncertain significance for Niemann-Pick disease, type B; Niemann-Pick disease, type A. Last evaluated: 2022-06-14. Review status: criteria provided, single submitter. Criteria: Invitae Variant Classification Sherloc (09022015). Collection method: clinical testing. Allele origin: germline.
Comment: This sequence change replaces threonine, which is neutral and polar, with alanine, which is neutral and non-polar, at codon 182 of the SMPD1 protein (p.Thr182Ala). This variant is not present in population databases (gnomAD no frequency). This variant has not been reported in the literature in individuals affected with SMPD1-related conditions. Advanced modeling of protein sequence and biophysical properties (such as structural, functional, and spatial information, amino acid conservation, physicochemical variation, residue mobility, and thermodynamic stability) performed at Invitae indicates that this missense variant is not expected to disrupt SMPD1 protein function. In summary, the available evidence is currently insufficient to determine the role of this variant in disease. Therefore, it has been classified as a Variant of Uncertain Significance.